The following is an entry in ClinVar:

NM_032634.4(PIGO):c.1213G>A (p.Ala405Thr)

Gene: PIGO (phosphatidylinositol glycan anchor biosynthesis class O; minus strand). Cytogenetic location: 9p13.3.
Variant type: single nucleotide variant.
Coding change: c.1213G>A on transcript NM_032634.4 (MANE Select); coding-DNA position 1213, G replaced by A.
Protein change: p.Ala405Thr; replaces alanine 405 with threonine.
Molecular consequence: missense variant.
Genome position (GRCh38, 1-based): chr9:35,092,674, C>T on the plus strand (G>A on the coding strand, the complement: PIGO is on the minus strand). VCF-style: chr9-35092674-C-T. GRCh37 (hg19) VCF-style: chr9-35092671-C-T.
Other names: c.1213G>A, p.Ala405Thr (NM_001201484.2, NM_152850.4); short protein forms A405T.
Identifiers: ClinVar variation 2163928 (VCV002163928.4), dbSNP rs1377756172, ClinGen allele CA373322567.

ClinVar aggregate classification (germline): Uncertain significance (1 of 4 stars; one submission).

Conditions:
Hyperphosphatasia with impaired intellectual development syndrome 2. Also called: Hyperphosphatasia with intellectual disability syndrome 2; GLYCOSYLPHOSPHATIDYLINOSITOL BIOSYNTHESIS DEFECT 6. Identifiers: Orphanet 247262, MedGen C3553637, MONDO:0013882, OMIM 614749.

Allele frequency attached by ClinVar (database versions not stated): gnomAD exomes below 0.00001.
gnomAD v4.1: 1 of 1,614,206 alleles (0.000062%); highest among the groups gnomAD compares: Admixed American, 0.0017%; no homozygotes.

Submission:

Labcorp Genetics (formerly Invitae), Labcorp
Classification: Uncertain significance for Hyperphosphatasia with impaired intellectual development syndrome 2. Last evaluated: 2022-07-06. Review status: criteria provided, single submitter. Criteria: Invitae Variant Classification Sherloc (09022015). Collection method: clinical testing. Allele origin: germline.
Comment: In summary, the available evidence is currently insufficient to determine the role of this variant in disease. Therefore, it has been classified as a Variant of Uncertain Significance. Algorithms developed to predict the effect of missense changes on protein structure and function (SIFT, PolyPhen-2, Align-GVGD) all suggest that this variant is likely to be tolerated. This variant has not been reported in the literature in individuals affected with PIGO-related conditions. This variant is present in population databases (no rsID available, gnomAD 0.003%). This sequence change replaces alanine, which is neutral and non-polar, with threonine, which is neutral and polar, at codon 405 of the PIGO protein (p.Ala405Thr).